The following is an entry in ClinVar:

NM_001206927.2(DNAH8):c.872C>A (p.Ala291Asp)

Gene: DNAH8 (dynein axonemal heavy chain 8; plus strand). Cytogenetic location: 6p21.2.
Variant type: single nucleotide variant.
Coding change: c.872C>A on transcript NM_001206927.2 (MANE Select); coding-DNA position 872, C replaced by A.
Protein change: p.Ala291Asp; replaces alanine 291 with aspartic acid.
Molecular consequence: missense variant.
Genome position (GRCh38, 1-based): chr6:38,737,176, C>A. VCF-style: chr6-38737176-C-A. GRCh37 (hg19) VCF-style: chr6-38704952-C-A.
Other names: c.221C>A, p.Ala74Asp (NM_001371.4); short protein forms A291D, A74D.
Identifiers: ClinVar variation 567599 (VCV000567599.7), dbSNP rs371250738, ClinGen allele CA3788063.

ClinVar aggregate classification (germline): Uncertain significance. Review status: criteria provided, multiple submitters, no conflicts (2 of 4 stars). 3 submissions from 3 submitters: Uncertain significance (3). Last evaluated 2025-11-03.

Conditions:
Primary ciliary dyskinesia. Also called: Ciliary dyskinesia. Identifiers: Orphanet 244, MedGen C0008780, MONDO:0016575, HP:0012265.

Allele frequency attached by ClinVar (database versions not stated): TOPMed 0.00005; ESP Exome Variant Server 0.00008.
gnomAD v4.1: 86 of 1,572,886 alleles (0.0055%); highest among the groups gnomAD compares: Middle Eastern, 0.034%; no homozygotes.

Submissions (3):

Ambry Genetics
Classification: Uncertain significance. Last evaluated: 2025-11-03. Review status: criteria provided, single submitter. Criteria: Ambry Variant Classification Scheme 2023. Collection method: clinical testing. Allele origin: germline.

Labcorp Genetics (formerly Invitae), Labcorp
Classification: Uncertain significance for Primary ciliary dyskinesia. Last evaluated: 2022-10-18. Review status: criteria provided, single submitter. Criteria: Invitae Variant Classification Sherloc (09022015). Collection method: clinical testing. Allele origin: germline.
Comment: This sequence change replaces alanine, which is neutral and non-polar, with aspartic acid, which is acidic and polar, at codon 291 of the DNAH8 protein (p.Ala291Asp). This variant is present in population databases (rs371250738, gnomAD 0.04%). This variant has not been reported in the literature in individuals affected with DNAH8-related conditions. ClinVar contains an entry for this variant (Variation ID: 567599). Algorithms developed to predict the effect of missense changes on protein structure and function are either unavailable or do not agree on the potential impact of this missense change (SIFT: "Deleterious"; PolyPhen-2: "Not Available"; Align-GVGD: "Class C0"). In summary, the available evidence is currently insufficient to determine the role of this variant in disease. Therefore, it has been classified as a Variant of Uncertain Significance.

Breakthrough Genomics
Classification: Uncertain significance. Review status: criteria provided, single submitter. Criteria: ACMG Guidelines, 2015. Collection method: not provided. Allele origin: germline. Inheritance: Autosomal recessive inheritance. Affected: yes.